The following is an entry in ClinVar:

ClinVar aggregate classification (germline): Conflicting classifications of pathogenicity. Review status: criteria provided, conflicting classifications (1 of 4 stars). 4 submissions from 4 submitters: Pathogenic (1); Likely pathogenic (1); Uncertain significance (2). Last evaluated 2025-09-20.

Conditions:
ACTB-related disorder. Also called: ACTB-related condition; ACTB-related disorders.
Baraitser-Winter syndrome 1 (BRWS1). Also called: BARAITSER-WINTER SYNDROME 1, ATYPICAL; PACHYGYRIA, MENTAL RETARDATION, EPILEPSY, AND CHARACTERISTIC FACIES; MENTAL RETARDATION WITH EPILEPSY AND CHARACTERISTIC FACIES; Cerebrofrontofacial syndrome. Identifiers: Orphanet 2649, Orphanet 2995, MedGen C1855722, MONDO:0009470, OMIM 243310.

Submissions (4):

Labcorp Genetics (formerly Invitae), Labcorp
Classification: Uncertain significance for Baraitser-Winter syndrome 1. Last evaluated: 2025-09-20. Review status: criteria provided, single submitter. Criteria: Invitae Variant Classification Sherloc (09022015). Collection method: clinical testing. Allele origin: germline.
Comment: This variant, c.269_271del, results in the deletion of one amino acid(s) of the ACTB protein (p.Phe90del), but otherwise preserves the integrity of the reading frame. This variant is not present in population databases (gnomAD no frequency). This variant has been observed in individual(s) with neurodevelopmental disorder (PMID: 37500730). ClinVar contains an entry for this variant (Variation ID: 488462). In summary, the available evidence is currently insufficient to determine the role of this variant in disease. Therefore, it has been classified as a Variant of Uncertain Significance.

PreventionGenetics, part of Exact Sciences
Classification: Uncertain significance for ACTB-related condition. Last evaluated: 2023-03-28. Review status: criteria provided, single submitter. Criteria: ACMG Guidelines, 2015. Collection method: clinical testing. Allele origin: germline.
Comment: The ACTB c.269_271delTCT variant is predicted to result in an in-frame deletion (p.Phe90del). To our knowledge, this variant has not been reported in the literature or in a large population database, indicating this variant is rare. This variant is interpreted as likely pathogenic by a single laboratory in ClinVar. At this time, the clinical significance of this variant is uncertain due to the absence of conclusive functional and genetic evidence.

Institute of Human Genetics Munich, TUM University Hospital
Classification: Likely pathogenic for Baraitser-Winter syndrome 1. Last evaluated: 2017-09-08. Review status: criteria provided, single submitter. Criteria: Classification criteria August 2017. Collection method: clinical testing. Allele origin: de novo. Inheritance: Autosomal dominant inheritance. Affected: yes. Observed: 1 heterozygote.

Clinical Genetics Service, Universitary Hospital 12 de Octubre
Classification: Pathogenic for Baraitser-Winter syndrome 1. Review status: criteria provided, single submitter. Criteria: ACMG Guidelines, 2015. Collection method: clinical testing. Allele origin: de novo. Affected: yes.

Literature cited by the submitters: PubMed 37500730 (cited by Labcorp Genetics (formerly Invitae), Labcorp).

NM_001101.5(ACTB):c.269_271del (p.Phe90del)

Gene: ACTB (actin beta; minus strand). Cytogenetic location: 7p22.1.
Variant type: Deletion.
Coding change: c.269_271del on transcript NM_001101.5 (MANE Select); coding-DNA positions 269 to 271, 3 bases deleted (TCT; older notation c.269_271delTCT).
Protein change: p.Phe90del; deletes phenylalanine 90.
Molecular consequence: inframe deletion.
Genome position (GRCh38, 1-based): chr7:5,529,253-5,529,255, AGA deleted on the plus strand (TCT on the coding strand, the reverse complement: ACTB is on the minus strand); deleting any 3 consecutive bases within chr7:5,529,253-5,529,257 gives the same sequence; the c. name uses the placement nearest the transcript's 3' end. VCF-style (leftmost placement, unchanged base first): chr7-5529252-TAGA-T. GRCh37 (hg19) VCF-style: chr7-5568883-TAGA-T.
Other names: c.269_271delTCT (NM_001101.3); c.269_271del (NM_001101.3); short protein forms F90del.
Identifiers: ClinVar variation 488462 (VCV000488462.6), dbSNP rs1554329546, ClinGen allele CA658683479.